The following is an entry in ClinVar:

NM_025243.4(SLC19A3):c.979+105G>A

Gene: SLC19A3 (solute carrier family 19 member 3; minus strand). Cytogenetic location: 2q36.3.
Variant type: single nucleotide variant.
Coding change: c.979+105G>A on transcript NM_025243.4 (MANE Select); 105 bases into the intron after coding-DNA position 979, G replaced by A.
Molecular consequence: intron variant.
Genome position (GRCh38, 1-based): chr2:227,698,631, C>T on the plus strand (G>A on the coding strand, the complement: SLC19A3 is on the minus strand). VCF-style: chr2-227698631-C-T. GRCh37 (hg19) VCF-style: chr2-228563347-C-T.
Identifiers: ClinVar variation 676760 (VCV000676760.2), dbSNP rs62191374, ClinGen allele CA11139619.

ClinVar aggregate classification (germline): Likely benign. Review status: criteria provided, multiple submitters, no conflicts (2 of 4 stars). 2 submissions from 2 submitters: Likely benign (2). Last evaluated 2018-06-14.

Allele frequency attached by ClinVar (database versions not stated): 1000 Genomes Project 30x 0.03592; 1000 Genomes Project 0.03754; TOPMed 0.04147; gnomAD 0.04149 and 0.04164; gnomAD exomes 0.04569.
gnomAD v4.1: 47,142 of 1,044,818 alleles (4.5%); highest among the groups gnomAD compares: Middle Eastern, 5.4%; 1,135 homozygotes.

Submissions (2):

GeneDx
Classification: Likely benign. Last evaluated: 2018-06-14. Review status: criteria provided, single submitter. Criteria: GeneDx Variant Classification (06012015). Collection method: clinical testing. Allele origin: germline. Affected: yes.
Comment: This variant is considered likely benign or benign based on one or more of the following criteria: it is a conservative change, it occurs at a poorly conserved position in the protein, it is predicted to be benign by multiple in silico algorithms, and/or has population frequency not consistent with disease.

Breakthrough Genomics
Classification: Likely benign. Review status: criteria provided, single submitter. Criteria: ACMG Guidelines, 2015. Collection method: not provided. Allele origin: germline. Inheritance: Autosomal recessive inheritance. Affected: yes.